The following is an entry in ClinVar:

NM_000821.7(GGCX):c.*4429G>A

Gene: GGCX (gamma-glutamyl carboxylase; minus strand). Cytogenetic location: 2p11.2.
Variant type: single nucleotide variant.
Coding change: c.*4429G>A on transcript NM_000821.7 (MANE Select); 4429 bases downstream of the stop codon, G replaced by A.
Molecular consequence: 3 prime UTR variant.
Genome position (GRCh38, 1-based): chr2:85,545,505, C>T on the plus strand (G>A on the coding strand, the complement: GGCX is on the minus strand). VCF-style: chr2-85545505-C-T. GRCh37 (hg19) VCF-style: chr2-85772628-C-T.
Other names: c.*4429G>A (NM_001142269.4).
Identifiers: ClinVar variation 337180 (VCV000337180.6), dbSNP rs62165899, ClinGen allele CA10614461.

ClinVar aggregate classification (germline): Benign. Review status: criteria provided, multiple submitters, no conflicts (2 of 4 stars). 2 submissions from 2 submitters: Benign (2). Last evaluated 2018-01-13.

Conditions:
Vitamin K-dependent clotting factors, combined deficiency of, type 1. Also called: FACTORS II, VII, IX, AND X, COMBINED DEFICIENCY OF; FAMILIAL MULTIPLE COAGULATION FACTOR DEFICIENCY III; FMFD III; GLUTAMIC ACID, DEFICIENT GAMMA-CARBOXYLATION OF; MULTIPLE COAGULATION FACTOR DEFICIENCY III; VITAMIN K-DEPENDENT COAGULATION DEFECT. Identifiers: Orphanet 98434, MedGen C1848534, MONDO:0010187, OMIM 277450.

Allele frequency attached by ClinVar (database versions not stated): gnomAD 0.11060 and 0.11253; TOPMed 0.11277; 1000 Genomes Project 30x 0.11883; 1000 Genomes Project 0.11901.

Submissions (2):

Illumina Laboratory Services, Illumina
Classification: Benign for Vitamin K-dependent clotting factors, combined deficiency of, type 1. Last evaluated: 2018-01-13. Review status: criteria provided, single submitter. Criteria: ICSL Variant Classification Criteria 13 December 2019. Collection method: clinical testing. Allele origin: germline.
Comment: This variant was observed in the ICSL laboratory as part of a predisposition screen in an ostensibly healthy population. It had not been previously curated by ICSL or reported in the Human Gene Mutation Database (HGMD: prior to June 1st, 2018), and was therefore a candidate for classification through an automated scoring system. Utilizing variant allele frequency, disease prevalence and penetrance estimates, and inheritance mode, an automated score was calculated to assess if this variant is too frequent to cause the disease. Based on the score and internal cut-off values, a variant classified as benign is not then subjected to further curation. The score for this variant resulted in a classification of benign for this disease.

Breakthrough Genomics
Classification: Benign. Review status: criteria provided, single submitter. Criteria: ACMG Guidelines, 2015. Collection method: not provided. Allele origin: germline. Inheritance: Autosomal recessive inheritance. Affected: yes.